The following is an entry in ClinVar:

ClinVar aggregate classification (germline): Likely benign. Review status: criteria provided, multiple submitters, no conflicts (2 of 4 stars). 2 submissions from 2 submitters: Likely benign (2). Last evaluated 2025-12-29.

gnomAD v4.1: 129 of 1,613,244 alleles (0.008%); highest among the groups gnomAD compares: Admixed American, 0.013%; no homozygotes.

Submissions (2):

Center for Genomic Medicine, Rigshospitalet, Copenhagen University Hospital
Classification: Likely benign. Last evaluated: 2025-12-29. Review status: criteria provided, single submitter. Criteria: ACMG Guidelines, 2015. Collection method: clinical testing. Allele origin: germline.
Comment: Classification criteria: BP4, BP7

Women's Health and Genetics/Laboratory Corporation of America, LabCorp
Classification: Likely benign. Last evaluated: 2024-09-03. Review status: criteria provided, single submitter. Criteria: LabCorp Variant Classification Summary - May 2015. Collection method: clinical testing. Allele origin: germline.

NM_000051.4(ATM):c.2922-41T>A

Gene: ATM (ATM serine/threonine kinase; plus strand). Cytogenetic location: 11q22.3.
Variant type: single nucleotide variant.
Coding change: c.2922-41T>A on transcript NM_000051.4 (MANE Select); 41 bases into the intron before coding-DNA position 2922, T replaced by A.
Molecular consequence: intron variant.
Genome position (GRCh38, 1-based): chr11:108,271,210, T>A. VCF-style: chr11-108271210-T-A. GRCh37 (hg19) VCF-style: chr11-108141937-T-A.
Other names: c.2922-41T>A (NM_001351834.2).
Identifiers: ClinVar variation 3375119 (VCV003375119.2).
Genomic context (GRCh38, chr11:108,271,210, plus strand): 5'-AGAAATTAAAACCTTATGTTATGTTCACTTTAAAGTTATAAAATAACTGATGTGTTCTGT[T>A]AAGCTTATAAAGTTGAACTTTTTTTTTTTTTTTACCACAGCAATGTGTGTTCTTTGTATC-3'